The following is an entry in ClinVar:

ClinVar aggregate classification (germline): Benign. Review status: criteria provided, multiple submitters, no conflicts (2 of 4 stars). 2 submissions from 2 submitters: Benign (2). Last evaluated 2018-06-14.

Allele frequency attached by ClinVar (database versions not stated): 1000 Genomes Project 0.21306; TOPMed 0.28366; 1000 Genomes Project 30x 0.21002; gnomAD 0.30234.
gnomAD v4.1: 301,773 of 810,760 alleles (37%); highest among the groups gnomAD compares: Non-Finnish European, 43%; 61,382 homozygotes.

Submissions (2):

GeneDx
Classification: Benign. Last evaluated: 2018-06-14. Review status: criteria provided, single submitter. Criteria: GeneDx Variant Classification (06012015). Collection method: clinical testing. Allele origin: germline. Affected: yes.
Comment: This variant is considered likely benign or benign based on one or more of the following criteria: it is a conservative change, it occurs at a poorly conserved position in the protein, it is predicted to be benign by multiple in silico algorithms, and/or has population frequency not consistent with disease.

Breakthrough Genomics
Classification: Benign. Review status: criteria provided, single submitter. Criteria: ACMG Guidelines, 2015. Collection method: not provided. Allele origin: germline. Inheritance: Autosomal recessive inheritance. Affected: yes.

NM_018136.5(ASPM):c.2487+112G>T

Gene: ASPM (assembly factor for spindle microtubules; minus strand). Cytogenetic location: 1q31.3.
Variant type: single nucleotide variant.
Coding change: c.2487+112G>T on transcript NM_018136.5 (MANE Select); 112 bases into the intron after coding-DNA position 2487, G replaced by T.
Molecular consequence: intron variant.
Genome position (GRCh38, 1-based): chr1:197,132,173, C>A on the plus strand (G>T on the coding strand, the complement: ASPM is on the minus strand). VCF-style: chr1-197132173-C-A. GRCh37 (hg19) VCF-style: chr1-197101303-C-A.
Other names: c.2487+112G>T (NM_001206846.2).
Identifiers: ClinVar variation 673910 (VCV000673910.2), dbSNP rs3737110, ClinGen allele CA10821240.